The following is an entry in ClinVar:

NM_004656.4(BAP1):c.437G>A (p.Arg146Lys)

Gene: BAP1 (BRCA1 associated deubiquitinase 1; minus strand). Cytogenetic location: 3p21.1.
Variant type: single nucleotide variant.
Coding change: c.437G>A on transcript NM_004656.4 (MANE Select); coding-DNA position 437, G replaced by A.
Protein change: p.Arg146Lys; replaces arginine 146 with lysine.
Molecular consequence: missense variant.
Genome position (GRCh38, 1-based): chr3:52,407,399, C>T on the plus strand (G>A on the coding strand, the complement: BAP1 is on the minus strand). VCF-style: chr3-52407399-C-T. GRCh37 (hg19) VCF-style: chr3-52441415-C-T.
Other names: short protein forms R146K.
Identifiers: ClinVar variation 1018201 (VCV001018201.5), dbSNP rs1705201387, ClinGen allele CA353110655.
Genomic context (GRCh38, chr3:52,407,399, plus strand): 5'-CCCAAAAAATGATACTCCCCCTACTCCCACCCCACATCAGCTCCCACAGCTCCCACACAC[C>T]TGGCATGGCTATTATGGGCCTTGGCCAACTCCGGGGCATTGCCAATCGCATATCCTTTGC-3'
Protein context (NP_004647.1, residues 136-156): ELAKAHNSHA[Arg146Lys]PEPRHLPEKQ

ClinVar aggregate classification (germline): Uncertain significance (1 of 4 stars; one submission).

Conditions:
BAP1-related tumor predisposition syndrome (TPDS1). Also called: Tumor susceptibility linked to germline BAP1 mutations; BAP1 tumor predisposition syndrome; COMMON Syndrome; TUMOR PREDISPOSITION SYNDROME 1. Identifiers: Orphanet 289539, MedGen C3280492, MONDO:0013692, OMIM 614327.

Submission:

Labcorp Genetics (formerly Invitae), Labcorp
Classification: Uncertain significance for BAP1-related tumor predisposition syndrome. Last evaluated: 2020-02-04. Review status: criteria provided, single submitter. Criteria: Invitae Variant Classification Sherloc (09022015). Collection method: clinical testing. Allele origin: germline.
Comment: This variant has been observed in individual(s) with BAP1-related disease (PMID: 29978187). In summary, the available evidence is currently insufficient to determine the role of this variant in disease. Therefore, it has been classified as a Variant of Uncertain Significance. Nucleotide substitutions within the consensus splice site are a relatively common cause of aberrant splicing (PMID: 17576681, 9536098). Algorithms developed to predict the effect of sequence changes on RNA splicing suggest that this variant may disrupt the consensus splice site, but this prediction has not been confirmed by published transcriptional studies. Algorithms developed to predict the effect of missense changes on protein structure and function are either unavailable or do not agree on the potential impact of this missense change (SIFT: "Tolerated"; PolyPhen-2: "Possibly Damaging"; Align-GVGD: "Class C0"). This variant is not present in population databases (ExAC no frequency). This sequence change replaces arginine with lysine at codon 146 of the BAP1 protein (p.Arg146Lys). The arginine residue is highly conserved and there is a small physicochemical difference between arginine and lysine. This variant also falls at the last nucleotide of exon 6 of the BAP1 coding sequence, which is part of the consensus splice site for this exon.

Literature cited by the submitters: PubMed 29978187; PubMed 17576681; PubMed 9536098.